The following is an entry in ClinVar:

NM_001035.3(RYR2):c.9028A>G (p.Lys3010Glu)

Gene: RYR2 (ryanodine receptor 2; plus strand). Cytogenetic location: 1q43.
Variant type: single nucleotide variant.
Coding change: c.9028A>G on transcript NM_001035.3 (MANE Select); coding-DNA position 9028, A replaced by G.
Protein change: p.Lys3010Glu; replaces lysine 3010 with glutamic acid.
Molecular consequence: missense variant.
Genome position (GRCh38, 1-based): chr1:237,687,465, A>G. VCF-style: chr1-237687465-A-G. GRCh37 (hg19) VCF-style: chr1-237850765-A-G.
Other names: short protein forms K3010E.
Identifiers: ClinVar variation 1002595 (VCV001002595.10), dbSNP rs1686529459, ClinGen allele CA345405776.
Genomic context (GRCh38, chr1:237,687,465, plus strand): 5'-ACCTTCCCTTCCCCCTTCCCTTTTCTCTTTTGTTTTTCTTTTGTCTTCAGCCTATTCTGC[A>G]AACTTGGAGTTCTTGTCAGGCATAGGATTTCACTATTTGGTAAGGAGACCCTTGAAAAAA-3'
Protein context (NP_001026.2, residues 3000-3020): EKEMVTSLFC[Lys3010Glu]LGVLVRHRIS

ClinVar aggregate classification (germline): Uncertain significance (1 of 4 stars; one submission).

Conditions:
Catecholaminergic polymorphic ventricular tachycardia 1. Also called: RYR2-Related Catecholaminergic Polymorphic Ventricular Tachycardia; VENTRICULAR TACHYCARDIA, CATECHOLAMINERGIC POLYMORPHIC, 1, WITH OR WITHOUT ATRIAL DYSFUNCTION AND/OR DILATED CARDIOMYOPATHY; VENTRICULAR TACHYCARDIA, STRESS-INDUCED POLYMORPHIC 1. Identifiers: Orphanet 3286, MedGen C1631597, MONDO:0011484, OMIM 604772.

Submission:

Labcorp Genetics (formerly Invitae), Labcorp
Classification: Uncertain significance for Catecholaminergic polymorphic ventricular tachycardia 1. Last evaluated: 2020-05-11. Review status: criteria provided, single submitter. Criteria: Invitae Variant Classification Sherloc (09022015). Collection method: clinical testing. Allele origin: germline.
Comment: Algorithms developed to predict the effect of missense changes on protein structure and function (SIFT, PolyPhen-2, Align-GVGD) all suggest that this variant is likely to be disruptive, but these predictions have not been confirmed by published functional studies and their clinical significance is uncertain. This sequence change replaces lysine with glutamic acid at codon 3010 of the RYR2 protein (p.Lys3010Glu). The lysine residue is highly conserved and there is a small physicochemical difference between lysine and glutamic acid. This variant is not present in population databases (ExAC no frequency). This variant has not been reported in the literature in individuals with RYR2-related conditions. In summary, the available evidence is currently insufficient to determine the role of this variant in disease. Therefore, it has been classified as a Variant of Uncertain Significance.